The following is an entry in ClinVar:

ClinVar aggregate classification (germline): Uncertain significance. Review status: criteria provided, multiple submitters, no conflicts (2 of 4 stars). 5 submissions from 5 submitters: Uncertain significance (5). Last evaluated 2024-12-16.

Conditions:
Hereditary cancer-predisposing syndrome. Also called: Neoplastic Syndromes, Hereditary; Tumor predisposition; Hereditary neoplastic syndrome; Hereditary Cancer Syndrome. Identifiers: Orphanet 140162, MedGen C0027672, MeSH D009386, MONDO:0015356.
Classic or attenuated familial adenomatous polyposis. Identifiers: MedGen CN372698, MONDO:0021057.
Familial adenomatous polyposis 1 (FAP1). Also called: FAMILIAL ADENOMATOUS POLYPOSIS 1, ATTENUATED; POLYPOSIS, ADENOMATOUS INTESTINAL. Identifiers: MedGen C2713442, MONDO:0021056, OMIM 175100. Disease mechanism: loss of function.
APC-related disorder. Also called: APC-related condition.

Submissions (5):

Labcorp Genetics (formerly Invitae), Labcorp
Classification: Uncertain significance for Familial adenomatous polyposis 1. Last evaluated: 2024-12-16. Review status: criteria provided, single submitter. Criteria: Invitae Variant Classification Sherloc (09022015). Collection method: clinical testing. Allele origin: germline.
Comment: This sequence change replaces valine, which is neutral and non-polar, with glycine, which is neutral and non-polar, at codon 547 of the APC protein (p.Val547Gly). This variant is not present in population databases (gnomAD no frequency). This variant has not been reported in the literature in individuals affected with APC-related conditions. ClinVar contains an entry for this variant (Variation ID: 643367). Invitae Evidence Modeling of protein sequence and biophysical properties (such as structural, functional, and spatial information, amino acid conservation, physicochemical variation, residue mobility, and thermodynamic stability) indicates that this missense variant is not expected to disrupt APC protein function with a negative predictive value of 95%. In summary, the available evidence is currently insufficient to determine the role of this variant in disease. Therefore, it has been classified as a Variant of Uncertain Significance.

Color Diagnostics, LLC DBA Color Health
Classification: Uncertain significance for Hereditary cancer-predisposing syndrome. Last evaluated: 2024-06-30. Review status: criteria provided, single submitter. Criteria: ACMG Guidelines, 2015. Collection method: clinical testing. Allele origin: germline.
Comment: This missense variant replaces valine with glycine at codon 547 of the APC protein. Computational prediction suggests that this variant may have deleterious impact on protein structure and function (internally defined REVEL score threshold >= 0.7, PMID: 27666373). To our knowledge, functional studies have not been reported for this variant. This variant has not been reported in individuals affected with APC-related disorders in the literature. This variant has not been identified in the general population by the Genome Aggregation Database (gnomAD). The available evidence is insufficient to determine the role of this variant in disease conclusively. Therefore, this variant is classified as a Variant of Uncertain Significance.

Ambry Genetics
Classification: Uncertain significance for Hereditary cancer-predisposing syndrome. Last evaluated: 2024-01-22. Review status: criteria provided, single submitter. Criteria: Ambry Variant Classification Scheme 2023. Collection method: clinical testing. Allele origin: germline.
Comment: The p.V547G variant (also known as c.1640T>G), located in coding exon 13 of the APC gene, results from a T to G substitution at nucleotide position 1640. The valine at codon 547 is replaced by glycine, an amino acid with dissimilar properties. This amino acid position is highly conserved in available vertebrate species. In addition, in silico predictors for this gene do not accurately predict pathogenicity. Since supporting evidence is limited at this time, the clinical significance of this alteration remains unclear.

All of Us Research Program, National Institutes of Health
Classification: Uncertain significance for Classic or attenuated familial adenomatous polyposis. Last evaluated: 2023-03-07. Review status: criteria provided, single submitter. Criteria: ACMG Guidelines, 2015. Collection method: clinical testing. Allele origin: germline. Inheritance: Autosomal dominant inheritance. Observed: 1 variant allele, 1 heterozygote.
Comment: This missense variant replaces valine with glycine at codon 547 of the APC protein. Computational prediction suggests that this variant may have deleterious impact on protein structure and function (internally defined REVEL score threshold >= 0.7, PMID: 27666373). To our knowledge, functional studies have not been reported for this variant. This variant has not been reported in individuals affected with APC-related disorders in the literature. This variant has not been identified in the general population by the Genome Aggregation Database (gnomAD). The available evidence is insufficient to determine the role of this variant in disease conclusively. Therefore, this variant is classified as a Variant of Uncertain Significance.

This study involves interpretation of variants in research participants for the purpose of population health screening. Participant phenotype was not available at the time of variant classification. Additional details can be found in publication PMID: 35346344, PMCID: PMC8962531

PreventionGenetics, part of Exact Sciences
Classification: Uncertain significance for APC-related condition. Last evaluated: 2022-11-11. Review status: criteria provided, single submitter. Criteria: ACMG Guidelines, 2015. Collection method: clinical testing. Allele origin: germline.
Comment: The APC c.1640T>G variant is predicted to result in the amino acid substitution p.Val547Gly. To our knowledge, this variant has not been reported in the literature or in a large population database, indicating this variant is rare. This variant has been interpreted in ClinVar as uncertain. At this time, the clinical significance of this variant is uncertain due to the absence of conclusive functional and genetic evidence.

NM_000038.6(APC):c.1640T>G (p.Val547Gly)

Gene: APC (APC regulator of Wnt signaling pathway; plus strand). Cytogenetic location: 5q22.2.
Variant type: single nucleotide variant.
Coding change: c.1640T>G on transcript NM_000038.6 (MANE Select); coding-DNA position 1640, T replaced by G.
Protein change: p.Val547Gly; replaces valine 547 with glycine.
Molecular consequence: missense variant.
Genome position (GRCh38, 1-based): chr5:112,828,869, T>G. VCF-style: chr5-112828869-T-G. GRCh37 (hg19) VCF-style: chr5-112164566-T-G.
Other names: c.1640T>G, p.Val547Gly (NM_001127510.3, NM_001354895.2); c.1586T>G, p.Val529Gly (NM_001127511.3); c.1694T>G, p.Val565Gly (NM_001354896.2); c.1670T>G, p.Val557Gly (NM_001354897.2); c.1565T>G, p.Val522Gly (NM_001354898.2); c.1556T>G, p.Val519Gly (NM_001354899.2); c.1517T>G, p.Val506Gly (NM_001354900.2); c.1463T>G, p.Val488Gly (NM_001354901.2); and 5 more; short protein forms V421G, V456G, V488G, V522G, V529G, V557G, V264G, V387G.
Identifiers: ClinVar variation 643367 (VCV000643367.19), dbSNP rs1580574053, ClinGen allele CA16024893.